The following is an entry in ClinVar:

NC_000001.10:g.(?_236881138)_(236925919_?)dup

Gene: ACTN2 (actinin alpha 2; plus strand). Cytogenetic location: 1q43.
Variant type: Duplication.
Identifiers: ClinVar variation 1471555 (VCV001471555.5).

ClinVar aggregate classification (germline): Uncertain significance (1 of 4 stars; one submission).

Conditions:
Dilated cardiomyopathy 1AA (CMD1AA). Also called: CARDIOMYOPATHY, DILATED, 1AA, WITH OR WITHOUT LEFT VENTRICULAR NONCOMPACTION; CARDIOMYOPATHY, FAMILIAL HYPERTROPHIC, 23, WITH OR WITHOUT LEFT VENTRICULAR NONCOMPACTION; Cardiomyopathy, dilated, 1AA, with or without LVNC. Identifiers: Orphanet 154, MedGen C2677338, MONDO:0012808, OMIM 612158.
Primary familial hypertrophic cardiomyopathy (HCM). Identifiers: Orphanet 99739, MedGen C0949658, MeSH D024741, MONDO:0024573. Inheritance: Various modes of inheritance.

Submission:

Labcorp Genetics (formerly Invitae), Labcorp
Classification: Uncertain significance for Primary familial hypertrophic cardiomyopathy; Dilated cardiomyopathy 1AA. Last evaluated: 2021-07-07. Review status: criteria provided, single submitter. Criteria: Invitae Variant Classification Sherloc (09022015). Collection method: clinical testing. Allele origin: germline.
Comment: In summary, the available evidence is currently insufficient to determine the role of this variant in disease. Therefore, it has been classified as a Variant of Uncertain Significance. This variant has not been reported in the literature in individuals affected with ACTN2-related conditions. This variant results in a copy number gain of the genomic region encompassing exon(s) 2-21 of the ACTN2 gene. The 5' boundary is likely confined to intron 1. The 3' end of this event is unknown as it extends beyond the assayed region for this gene and therefore may encompass additional genes. As the precise location of this event is unknown, it may be in tandem or it may be located elsewhere in the genome.